The following is an entry in ClinVar:

ClinVar aggregate classification (germline): Uncertain significance (1 of 4 stars; one submission).

Submission:

Labcorp Genetics (formerly Invitae), Labcorp
Classification: Uncertain significance. Last evaluated: 2025-06-18. Review status: criteria provided, single submitter. Criteria: Invitae Variant Classification Sherloc (09022015). Collection method: clinical testing. Allele origin: germline.
Comment: This sequence change replaces valine, which is neutral and non-polar, with methionine, which is neutral and non-polar, at codon 802 of the LONP1 protein (p.Val802Met). This variant is not present in population databases (gnomAD no frequency). This variant has not been reported in the literature in individuals affected with LONP1-related conditions. Invitae Evidence Modeling of protein sequence and biophysical properties (such as structural, functional, and spatial information, amino acid conservation, physicochemical variation, residue mobility, and thermodynamic stability) indicates that this missense variant is not expected to disrupt LONP1 protein function with a negative predictive value of 95%. In summary, the available evidence is currently insufficient to determine the role of this variant in disease. Therefore, it has been classified as a Variant of Uncertain Significance.

NM_004793.4(LONP1):c.2404G>A (p.Val802Met)

Gene: LONP1 (lon peptidase 1, mitochondrial; minus strand). Cytogenetic location: 19p13.3.
Variant type: single nucleotide variant.
Coding change: c.2404G>A on transcript NM_004793.4 (MANE Select); coding-DNA position 2404, G replaced by A.
Protein change: p.Val802Met; replaces valine 802 with methionine.
Molecular consequence: missense variant. On other transcripts: non-coding transcript variant (1).
Genome position (GRCh38, 1-based): chr19:5,693,686, C>T on the plus strand (G>A on the coding strand, the complement: LONP1 is on the minus strand). VCF-style: chr19-5693686-C-T. GRCh37 (hg19) VCF-style: chr19-5693697-C-T.
Other names: c.2212G>A, p.Val738Met (NM_001276479.2); c.1816G>A, p.Val606Met (NM_001276480.1); short protein forms V738M, V606M, V802M.
Identifiers: ClinVar variation 4709737 (VCV004709737.1).